The following is an entry in ClinVar:

NM_001291303.3(FAT4):c.8021A>T (p.Asp2674Val)

Gene: FAT4 (FAT atypical cadherin 4; plus strand). Cytogenetic location: 4q28.1.
Variant type: single nucleotide variant.
Coding change: c.8021A>T on transcript NM_001291303.3 (MANE Select); coding-DNA position 8021, A replaced by T.
Protein change: p.Asp2674Val; replaces aspartic acid 2674 with valine.
Molecular consequence: missense variant.
Genome position (GRCh38, 1-based): chr4:125,449,031, A>T. VCF-style: chr4-125449031-A-T. GRCh37 (hg19) VCF-style: chr4-126370186-A-T.
Other names: c.8021A>T, p.Asp2674Val (NM_001291285.3); c.8015A>T, p.Asp2672Val (NM_024582.6); short protein forms D2672V, D2674V.
Identifiers: ClinVar variation 420323 (VCV000420323.26), dbSNP rs138655269, ClinGen allele CA3073298.

ClinVar aggregate classification (germline): Conflicting classifications of pathogenicity. Review status: criteria provided, conflicting classifications (1 of 4 stars). 9 submissions from 9 submitters: Uncertain significance (6); Likely benign (2). 1 of the submissions does not count toward it. Last evaluated 2026-01-27.

Conditions:
FAT4-related disorder. Also called: FAT4-related condition.
Van Maldergem syndrome 2 (VMLDS2). Identifiers: Orphanet 314679, MedGen C3809875, MONDO:0014242, OMIM 615546.

Allele frequency attached by ClinVar (database versions not stated): 1000 Genomes Project 0.00020; 1000 Genomes Project 30x 0.00031; gnomAD 0.00121; ExAC 0.00123; gnomAD exomes 0.00138 and 0.00295; ESP Exome Variant Server 0.00146; TOPMed 0.00198.
gnomAD v4.1: 4,539 of 1,613,802 alleles (0.28%); highest among the groups gnomAD compares: Non-Finnish European, 0.36%; 6 homozygotes.

Submissions (9):

Labcorp Genetics (formerly Invitae), Labcorp
Classification: Likely benign. Last evaluated: 2026-01-27. Review status: criteria provided, single submitter. Criteria: Invitae Variant Classification Sherloc (09022015). Collection method: clinical testing. Allele origin: germline.

CeGaT Center for Human Genetics Tuebingen
Classification: Likely benign. Last evaluated: 2025-06-01. Review status: criteria provided, single submitter. Criteria: CeGaT Center For Human Genetics Tuebingen Variant Classification Criteria Version 2. Collection method: clinical testing. Allele origin: germline. Affected: yes. Observed: 3 variant alleles.
Comment: FAT4: BP4

Daryl Scott Lab, Baylor College of Medicine
Classification: Uncertain significance for FAT4-related disorder. Last evaluated: 2024-01-01. Review status: criteria provided, single submitter. Criteria: ACMG Guidelines, 2015. Collection method: clinical testing. Allele origin: maternal. Observed: 1 heterozygote.
Comment: PM3, PP3

ARUP Laboratories, Molecular Genetics and Genomics, ARUP Laboratories
Classification: Uncertain significance. Last evaluated: 2023-10-26. Review status: criteria provided, single submitter. Criteria: ARUP Molecular Germline Variant Investigation Process 2024. Collection method: clinical testing. Allele origin: germline.
Comment: The FAT4 c.8015A>T; p.Asp2672Val variant (rs138655269), to our knowledge, is not reported in the medical literature but is reported in ClinVar (Variation ID: 420323). This variant is found in the non-Finnish European population with an overall allele frequency of 0.25% (324/128362 alleles) in the Genome Aggregation Database. The aspartate at codon 2672 is highly conserved, and computational analyses are uncertain whether this variant is neutral or deleterious (REVEL: 0.396). Due to limited information, the clinical significance of the p.Asp2672Val variant is uncertain at this time.

Institute for Clinical Genetics, University Hospital TU Dresden, University Hospital TU Dresden
Classification: Uncertain significance. Last evaluated: 2021-11-03. Review status: criteria provided, single submitter. Criteria: ACMG Guidelines, 2015. Collection method: clinical testing. Allele origin: germline.

UNC Molecular Genetics  Laboratory, University of North Carolina at Chapel Hill
Classification: Uncertain significance for Van Maldergem syndrome 2. Last evaluated: 2021-03-01. Review status: criteria provided, single submitter. Criteria: ACMG Guidelines, 2015. Collection method: research. Allele origin: germline. Observed: 1 variant allele. Study: CSER_NCGENES.
Comment: The FAT4 c.8015A>T (p.Asp2672Val) missense variant is located in exon 10, and results in a single amino acid substitution from an aspartic acid to a valine. This variant was detected in the compound heterozygous state in an individual with Van Maldergem syndrome 2; this individual was also reported to have diploid/triploid mosaicism (ClinVar entry from Undiagnosed Diseases Network). FAT4 c.8015A>T (p.Asp2672Val) is present in human population databases (allele frequency 383 alleles/281150 total alleles: 0.001). Due to the limited information regarding this variant, it is classified as a VUS.

GeneDx
Classification: Uncertain significance. Last evaluated: 2018-05-14. Review status: criteria provided, single submitter. Criteria: GeneDx Variant Classification (06012015). Collection method: clinical testing. Allele origin: germline. Affected: yes.
Comment: The D2672V variant has not been published as a pathogenic variant, nor has it been reported as a benign variant to our knowledge. The D2672V variant is observed in 315/126102 (0.25%) alleles from individuals of European background in large population cohorts (Lek et al., 2016). The D2672V variant is a non-conservative amino acid substitution, which is likely to impact secondary protein structure as these residues differ in polarity, charge, size and/or other properties. In-silico analyses, including protein predictors and evolutionary conservation, support that this variant does not alter protein structure/function. Based on the currently available information, it is unclear whether this variant is a pathogenic variant or a rare benign variant. GeneDx interprets D2672V as a variant of uncertain significance.

Undiagnosed Diseases Network, NIH
Classification: Uncertain significance for Van Maldergem syndrome 2. Last evaluated: 2016-11-16. Review status: criteria provided, single submitter. Criteria: ACMG Guidelines, 2015. Collection method: clinical testing. Allele origin: inherited. Inheritance: Autosomal recessive inheritance. Affected: yes. Observed: 1 variant allele, 1 compound heterozygote. Study: Undiagnosed Diseases Network (NIH), UDN.

PreventionGenetics, part of Exact Sciences
Classification: Likely benign for FAT4-related condition. Last evaluated: 2022-09-02. Review status: no assertion criteria provided. Collection method: clinical testing. Allele origin: germline. Not counted in ClinVar's aggregate classification.
Comment: This variant is classified as likely benign based on ACMG/AMP sequence variant interpretation guidelines (Richards et al. 2015 PMID: 25741868, with internal and published modifications).

Literature cited by the submitters: PubMed 31384091 (cited by UNC Molecular Genetics  Laboratory, University of North Carolina at Chapel Hill).